The following is an entry in ClinVar:

NM_020442.6(VARS2):c.2353C>T (p.Arg785Cys)

Genes: VARS2 (valyl-tRNA synthetase 2, mitochondrial; plus strand), LOC126859646 (MED14-independent group 3 enhancer GRCh37_chr6:30889690-30890889; plus strand). Cytogenetic location: 6p21.33.
Variant type: single nucleotide variant.
Coding change: c.2353C>T on transcript NM_020442.6 (MANE Select); coding-DNA position 2353, C replaced by T.
Protein change: p.Arg785Cys; replaces arginine 785 with cysteine.
Molecular consequence: missense variant.
Genome position (GRCh38, 1-based): chr6:30,923,392, C>T. VCF-style: chr6-30923392-C-T. GRCh37 (hg19) VCF-style: chr6-30891169-C-T.
Other names: c.1933C>T, p.Arg645Cys (NM_001167733.3); c.2443C>T, p.Arg815Cys (NM_001167734.2); short protein forms R785C, R645C, R815C.
Identifiers: ClinVar variation 1417493 (VCV001417493.6), dbSNP rs769354562, ClinGen allele CA3706249.

ClinVar aggregate classification (germline): Uncertain significance (1 of 4 stars; one submission).

Allele frequency attached by ClinVar (database versions not stated): gnomAD 0.00001; gnomAD exomes 0.00002; ExAC 0.00003.
gnomAD v4.1: 39 of 1,611,936 alleles (0.0024%); highest among the groups gnomAD compares: East Asian, 0.018%; 1 homozygote.

Submission:

Labcorp Genetics (formerly Invitae), Labcorp
Classification: Uncertain significance. Last evaluated: 2021-08-11. Review status: criteria provided, single submitter. Criteria: Invitae Variant Classification Sherloc (09022015). Collection method: clinical testing. Allele origin: germline.
Comment: This sequence change replaces arginine with cysteine at codon 815 of the VARS2 protein (p.Arg815Cys). The arginine residue is highly conserved and there is a large physicochemical difference between arginine and cysteine. This variant is present in population databases (rs769354562, ExAC 0.02%). This variant has not been reported in the literature in individuals with VARS2-related conditions. Algorithms developed to predict the effect of missense changes on protein structure and function output the following: SIFT: "Deleterious"; PolyPhen-2: "Benign"; Align-GVGD: "Class C55". The cysteine amino acid residue is found in multiple mammalian species, suggesting that this missense change does not adversely affect protein function. These predictions have not been confirmed by published functional studies and their clinical significance is uncertain. In summary, the available evidence is currently insufficient to determine the role of this variant in disease. Therefore, it has been classified as a Variant of Uncertain Significance.